The following is an entry in ClinVar:

NM_001394998.1(TANC2):c.4801A>C (p.Ser1601Arg)

Gene: TANC2 (tetratricopeptide repeat, ankyrin repeat and coiled-coil containing 2; plus strand). Cytogenetic location: 17q23.3.
Variant type: single nucleotide variant.
Coding change: c.4801A>C on transcript NM_001394998.1 (MANE Select); coding-DNA position 4801, A replaced by C.
Protein change: p.Ser1601Arg; replaces serine 1601 with arginine.
Molecular consequence: missense variant.
Genome position (GRCh38, 1-based): chr17:63,420,531, A>C. VCF-style: chr17-63420531-A-C. GRCh37 (hg19) VCF-style: chr17-61497892-A-C.
Other names: c.4579A>C, p.Ser1527Arg (NM_001411076.1); c.4549A>C, p.Ser1517Arg (NM_025185.4); short protein forms S1517R, S1527R, S1601R.
Identifiers: ClinVar variation 3362162 (VCV003362162.1).
Genomic context (GRCh38, chr17:63,420,531, plus strand): 5'-CATTACAGGCCTAGCCCACCACACACTTCCCCGGCTCATCAGGGAGGATCTTACCGTTTC[A>C]GCCCCCCTCCTGTGGGAGGACAGGGCAAAGAATACCCAAGCCCTCCCCCTTCCCCTCTCC-3'
Protein context (NP_001381927.1, residues 1591-1611): PAHQGGSYRF[Ser1601Arg]PPPVGGQGKE

ClinVar aggregate classification (germline): Uncertain significance (1 of 4 stars; one submission).

Submission:

GeneDx
Classification: Uncertain significance. Last evaluated: 2023-06-02. Review status: criteria provided, single submitter. Criteria: GeneDx Variant Classification Process June 2021. Collection method: clinical testing. Allele origin: germline. Affected: yes.
Comment: Not observed at significant frequency in large population cohorts (gnomAD); In silico analysis supports that this missense variant does not alter protein structure/function; Has not been previously published as pathogenic or benign to our knowledge